The following is an entry in ClinVar:

NM_024675.4(PALB2):c.3504C>A (p.Asp1168Glu)

Gene: PALB2 (partner and localizer of BRCA2; minus strand). Cytogenetic location: 16p12.2.
Variant type: single nucleotide variant.
Coding change: c.3504C>A on transcript NM_024675.4 (MANE Select); coding-DNA position 3504, C replaced by A.
Protein change: p.Asp1168Glu; replaces aspartic acid 1168 with glutamic acid.
Molecular consequence: missense variant.
Genome position (GRCh38, 1-based): chr16:23,603,516, G>T on the plus strand (C>A on the coding strand, the complement: PALB2 is on the minus strand). VCF-style: chr16-23603516-G-T. GRCh37 (hg19) VCF-style: chr16-23614837-G-T.
Other names: c.3444C>A, p.Asp1148Glu (NM_001407296.1); c.3432C>A, p.Asp1144Glu (NM_001407297.1); c.3342C>A, p.Asp1114Glu (NM_001407298.1); c.3267C>A, p.Asp1089Glu (NM_001407299.1); c.3225C>A, p.Asp1075Glu (NM_001407300.1); c.*139C>A (NM_001407301.1, NM_001407302.1, NM_001407310.1 and 2 more transcripts); c.2619C>A, p.Asp873Glu (NM_001407304.1, NM_001407305.1, NM_001407306.1); c.2457C>A, p.Asp819Glu (NM_001407307.1); and 3 more; short protein forms D1114E, D1168E, D1075E, D1089E, D1144E, D1148E, D346E, D794E.
Identifiers: ClinVar variation 1732095 (VCV001732095.2), dbSNP rs1966396729, ClinGen allele CA395137888.
Genomic context (GRCh38, chr16:23,603,516, plus strand): 5'-AACTTATGAATAGTGGTATACAAATATATTTCCATCTTTTTGTCCAGCCAGCAAATGAGA[G>T]TCTGTACCCGACCATTTCACAAAAGACCAATGTTGGTCAGAGACAGGTGGGAGGAGGGCA-3'
Protein context (NP_078951.2, residues 1158-1178): HWSFVKWSGT[Asp1168Glu]SHLLAGQKDG

ClinVar aggregate classification (germline): Uncertain significance (1 of 4 stars; one submission).

Conditions:
Hereditary cancer-predisposing syndrome. Also called: Neoplastic Syndromes, Hereditary; Tumor predisposition; Hereditary Cancer Syndrome; Hereditary neoplastic syndrome. Identifiers: Orphanet 140162, MedGen C0027672, MeSH D009386, MONDO:0015356.

Submission:

Ambry Genetics
Classification: Uncertain significance for Hereditary cancer-predisposing syndrome. Last evaluated: 2020-01-24. Review status: criteria provided, single submitter. Criteria: Ambry Variant Classification Scheme 2023. Collection method: clinical testing. Allele origin: germline.
Comment: The p.D1168E variant (also known as c.3504C>A), located in coding exon 13 of the PALB2 gene, results from a C to A substitution at nucleotide position 3504. The aspartic acid at codon 1168 is replaced by glutamic acid, an amino acid with highly similar properties. This amino acid position is well conserved in available vertebrate species. In addition, this alteration is predicted to be tolerated by in silico analysis. Since supporting evidence is limited at this time, the clinical significance of this alteration remains unclear.